The following is an entry in ClinVar:

NM_004667.6(HERC2):c.825C>T (p.Thr275=)

Gene: HERC2 (HECT and RLD domain containing E3 ubiquitin protein ligase 2; minus strand). Cytogenetic location: 15q13.1.
Variant type: single nucleotide variant.
Coding change: c.825C>T on transcript NM_004667.6 (MANE Select); coding-DNA position 825, C replaced by T.
Protein change: p.Thr275=; no amino-acid change (threonine 275 retained).
Molecular consequence: synonymous variant.
Genome position (GRCh38, 1-based): chr15:28,272,980, G>A on the plus strand (C>T on the coding strand, the complement: HERC2 is on the minus strand). VCF-style: chr15-28272980-G-A. GRCh37 (hg19) VCF-style: chr15-28518126-G-A.
Identifiers: ClinVar variation 2578730 (VCV002578730.25), dbSNP rs748386216, ClinGen allele CA267948563.

ClinVar aggregate classification (germline): Likely benign (1 of 4 stars; one submission).

Submission:

CeGaT Center for Human Genetics Tuebingen
Classification: Likely benign. Last evaluated: 2023-08-01. Review status: criteria provided, single submitter. Criteria: CeGaT Center For Human Genetics Tuebingen Variant Classification Criteria Version 2. Collection method: clinical testing. Allele origin: germline. Affected: yes. Observed: 1 variant allele.
Comment: HERC2: BP4, BP7